The following is an entry in ClinVar:

ClinVar aggregate classification (germline): Likely benign. Review status: criteria provided, multiple submitters, no conflicts (2 of 4 stars). 3 submissions from 3 submitters: Likely benign (2). 1 of the submissions does not count toward it. Last evaluated 2024-01-22.

Conditions:
DOCK6-related disorder. Also called: DOCK6-related condition.

gnomAD v4.1: 16 of 1,613,732 alleles (0.00099%); highest among the groups gnomAD compares: Non-Finnish European, 0.0014%; no homozygotes.

Submissions (3):

Labcorp Genetics (formerly Invitae), Labcorp
Classification: Likely benign. Last evaluated: 2024-01-22. Review status: criteria provided, single submitter. Criteria: Invitae Variant Classification Sherloc (09022015). Collection method: clinical testing. Allele origin: germline.

Blueprint Genetics
Classification: Likely benign. Last evaluated: 2023-06-29. Review status: criteria provided, single submitter. Criteria: ACMG Guidelines, 2015. Collection method: clinical testing. Allele origin: germline.

PreventionGenetics, part of Exact Sciences
Classification: Likely benign for DOCK6-related condition. Last evaluated: 2022-12-22. Review status: no assertion criteria provided. Collection method: clinical testing. Allele origin: germline. Not counted in ClinVar's aggregate classification.
Comment: This variant is classified as likely benign based on ACMG/AMP sequence variant interpretation guidelines (Richards et al. 2015 PMID: 25741868, with internal and published modifications).

NM_020812.4(DOCK6):c.2991G>A (p.Leu997=)

Gene: DOCK6 (dedicator of cytokinesis 6; minus strand). Cytogenetic location: 19p13.2.
Variant type: single nucleotide variant.
Coding change: c.2991G>A on transcript NM_020812.4 (MANE Select); coding-DNA position 2991, G replaced by A.
Protein change: p.Leu997=; no amino-acid change (leucine 997 retained).
Molecular consequence: synonymous variant.
Genome position (GRCh38, 1-based): chr19:11,223,071, C>T on the plus strand (G>A on the coding strand, the complement: DOCK6 is on the minus strand). VCF-style: chr19-11223071-C-T. GRCh37 (hg19) VCF-style: chr19-11333747-C-T.
Other names: c.2991G>A (NM_020812.3); c.3096G>A, p.Leu1032= (NM_001367830.1).
Identifiers: ClinVar variation 2987854 (VCV002987854.6), dbSNP rs2079607193, ClinGen allele CA505495550.